The following is an entry in ClinVar:

NM_001267550.2(TTN):c.107840T>G (p.Ile35947Ser)

Genes: TTN (titin; minus strand), TTN-AS1 (TTN antisense RNA 1; plus strand). Cytogenetic location: 2q31.2.
Variant type: single nucleotide variant.
Coding change: c.107840T>G on transcript NM_001267550.2 (MANE Select); coding-DNA position 107840, T replaced by G.
Protein change: p.Ile35947Ser; replaces isoleucine 35947 with serine.
Molecular consequence: missense variant.
Genome position (GRCh38, 1-based): chr2:178,527,148, A>C on the plus strand (T>G on the coding strand, the complement: TTN is on the minus strand). VCF-style: chr2-178527148-A-C. GRCh37 (hg19) VCF-style: chr2-179391875-A-C.
Other names: c.102917T>G, p.Ile34306Ser (NM_001256850.1); c.80645T>G, p.Ile26882Ser (NM_003319.4); c.100136T>G, p.Ile33379Ser (NM_133378.4); c.81020T>G, p.Ile27007Ser (NM_133432.3); c.81221T>G, p.Ile27074Ser (NM_133437.4); c.107840T>G (NM_001267550.1); short protein forms I34306S, I35947S, I27007S, I33379S, I26882S, I27074S.
Identifiers: ClinVar variation 389846 (VCV000389846.9), dbSNP rs281864928, ClinGen allele CA16604078.

ClinVar aggregate classification (germline): Uncertain significance. Review status: criteria provided, multiple submitters, no conflicts (2 of 4 stars). 2 submissions from 2 submitters: Uncertain significance (2). Last evaluated 2026-10-04.

Conditions:
Autosomal recessive limb-girdle muscular dystrophy type 2J (LGMDR10). Also called: Limb-girdle muscular dystrophy, type 2J; MUSCULAR DYSTROPHY, LIMB-GIRDLE, AUTOSOMAL RECESSIVE 10. Identifiers: Orphanet 140922, MedGen C1837342, MONDO:0012127, OMIM 608807.
Dilated cardiomyopathy 1G (CMD1G). Identifiers: Orphanet 154, MedGen C1858763, MONDO:0011400, OMIM 604145.

gnomAD v4.1: 1 of 1,613,962 alleles (0.000062%); highest among the groups gnomAD compares: African/African-American, 0.0013%; no homozygotes.

Submissions (2):

GeneDx
Classification: Uncertain significance. Last evaluated: 2026-10-04. Review status: criteria provided, single submitter. Criteria: GeneDx Variant Classification Process June 2021. Collection method: clinical testing. Allele origin: germline.
Comment: Not observed at significant frequency in large population cohorts (gnomAD); Missense variant in a gene in which most reported pathogenic variants are truncating/loss of function; This variant is associated with the following publications: (PMID: 42393765)

Labcorp Genetics (formerly Invitae), Labcorp
Classification: Uncertain significance for Dilated cardiomyopathy 1G; Autosomal recessive limb-girdle muscular dystrophy type 2J. Last evaluated: 2025-10-13. Review status: criteria provided, single submitter. Criteria: Invitae Variant Classification Sherloc (09022015). Collection method: clinical testing. Allele origin: germline.
Comment: This sequence change replaces isoleucine, which is neutral and non-polar, with serine, which is neutral and polar, at codon 35947 of the TTN protein (p.Ile35947Ser). This variant is not present in population databases (gnomAD no frequency). This missense change has been observed in individual(s) with clinical features of autosomal recessive TTN-related conditions (internal data). In at least one individual the data is consistent with being in trans (on the opposite chromosome) from a pathogenic variant. ClinVar contains an entry for this variant (Variation ID: 389846). Experimental studies and prediction algorithms are not available or were not evaluated, and the functional significance of this variant is currently unknown. This variant is located in the M band of TTN (PMID: 25589632). Non-truncating variants in this region may be relevant for neuromuscular disorders, but have not been definitively shown to cause cardiomyopathy (PMID: 23975875). This variant disrupts the p.Ile35947 amino acid residue in TTN. Other variant(s) that disrupt this residue have been determined to be pathogenic (PMID: 27796757; internal data). This suggests that this residue is clinically significant, and that variants that disrupt this residue are likely to be disease-causing. In summary, the available evidence is currently insufficient to determine the role of this variant in disease. Therefore, it has been classified as a Variant of Uncertain Significance.

Literature cited by the submitters: PubMed 25589632 (cited by Labcorp Genetics (formerly Invitae), Labcorp); PubMed 23975875 (cited by Labcorp Genetics (formerly Invitae), Labcorp); PubMed 27796757 (cited by Labcorp Genetics (formerly Invitae), Labcorp).